The following is an entry in ClinVar:

ClinVar aggregate classification (germline): Benign/Likely benign. Review status: criteria provided, multiple submitters, no conflicts (2 of 4 stars). 6 submissions from 6 submitters: Benign (4); Likely benign (2). Last evaluated 2026-01-31.

Conditions:
Primary ciliary dyskinesia 14. Also called: CILIARY DYSKINESIA, PRIMARY, 14, WITH OR WITHOUT SITUS INVERSUS. Identifiers: Orphanet 244, MedGen C3151136, MONDO:0013434, OMIM 613807.
Primary ciliary dyskinesia. Also called: Ciliary dyskinesia. Identifiers: Orphanet 244, MedGen C0008780, MONDO:0016575, HP:0012265.

Allele frequency attached by ClinVar (database versions not stated): gnomAD 0.00277 and 0.00226; gnomAD exomes 0.00419; 1000 Genomes Project 30x 0.00750; 1000 Genomes Project 0.00819; ESP Exome Variant Server 0.00027; TOPMed 0.00215; ExAC 0.00221.
gnomAD v4.1: 3,173 of 1,528,792 alleles (0.21%); highest among the groups gnomAD compares: East Asian, 4.3%; 54 homozygotes.

Submissions (6):

Labcorp Genetics (formerly Invitae), Labcorp
Classification: Benign for Primary ciliary dyskinesia. Last evaluated: 2026-01-31. Review status: criteria provided, single submitter. Criteria: Invitae Variant Classification Sherloc (09022015). Collection method: clinical testing. Allele origin: germline.

Mayo Clinic Laboratories, Mayo Clinic
Classification: Benign. Last evaluated: 2024-11-07. Review status: criteria provided, single submitter. Criteria: ACMG Guidelines, 2015. Collection method: clinical testing. Allele origin: germline. Observed: 1 variant allele.
Comment: BS1, BS2, BP4, BP7

Ambry Genetics
Classification: Benign for Primary ciliary dyskinesia. Last evaluated: 2019-08-26. Review status: criteria provided, single submitter. Criteria: Ambry Variant Classification Scheme 2023. Collection method: clinical testing. Allele origin: germline.

Illumina Laboratory Services, Illumina
Classification: Likely benign for Primary ciliary dyskinesia 14. Last evaluated: 2018-01-12. Review status: criteria provided, single submitter. Criteria: ICSL Variant Classification Criteria 13 December 2019. Collection method: clinical testing. Allele origin: germline.
Comment: This variant was observed in the ICSL laboratory as part of a predisposition screen in an ostensibly healthy population. It had not been previously curated by ICSL or reported in the Human Gene Mutation Database (HGMD: prior to June 1st, 2018), and was therefore a candidate for classification through an automated scoring system. Utilizing variant allele frequency, disease prevalence and penetrance estimates, and inheritance mode, an automated score was calculated to assess if this variant is too frequent to cause the disease. Based on the score and internal cut-off values, a variant classified as likely benign is not then subjected to further curation. The score for this variant resulted in a classification of likely benign for this disease.

Breakthrough Genomics
Classification: Likely benign. Review status: criteria provided, single submitter. Criteria: ACMG Guidelines, 2015. Collection method: not provided. Allele origin: germline. Inheritance: Autosomal recessive inheritance. Affected: yes.

PreventionGenetics, part of Exact Sciences
Classification: Benign. Review status: criteria provided, single submitter. Criteria: ACMG Guidelines, 2015. Collection method: clinical testing. Allele origin: germline.

NM_181426.2(CCDC39):c.1008G>A (p.Lys336=)

Gene: CCDC39 (coiled-coil domain 39 molecular ruler complex subunit; minus strand). Cytogenetic location: 3q26.33.
Variant type: single nucleotide variant.
Coding change: c.1008G>A on transcript NM_181426.2 (MANE Select); coding-DNA position 1008, G replaced by A.
Protein change: p.Lys336=; no amino-acid change (lysine 336 retained).
Molecular consequence: synonymous variant.
Genome position (GRCh38, 1-based): chr3:180,652,189, C>T on the plus strand (G>A on the coding strand, the complement: CCDC39 is on the minus strand). VCF-style: chr3-180652189-C-T. GRCh37 (hg19) VCF-style: chr3-180369977-C-T.
Other names: p.Lys336=.
Identifiers: ClinVar variation 262960 (VCV000262960.20), dbSNP rs79329972, ClinGen allele CA2716039.